The following is an entry in ClinVar:

NM_130811.4(SNAP25):c.149T>C (p.Leu50Ser)

Gene: SNAP25 (synaptosome associated protein 25; plus strand). Cytogenetic location: 20p12.2.
Variant type: single nucleotide variant.
Coding change: c.149T>C on transcript NM_130811.4 (MANE Select); coding-DNA position 149, T replaced by C.
Protein change: p.Leu50Ser; replaces leucine 50 with serine.
Molecular consequence: missense variant.
Genome position (GRCh38, 1-based): chr20:10,284,758, T>C. VCF-style: chr20-10284758-T-C. GRCh37 (hg19) VCF-style: chr20-10265406-T-C.
Other names: c.149T>C, p.Leu50Ser (NM_001322902.2, NM_001322903.2, NM_001322904.2 and 7 more transcripts); short protein forms L50S.
Identifiers: ClinVar variation 1285517 (VCV001285517.2), dbSNP rs2123063984, ClinGen allele CA408265502.

ClinVar aggregate classification (germline): Likely pathogenic (1 of 4 stars; one submission).

Conditions:
Developmental and epileptic encephalopathy. Identifiers: MedGen C5779964, MONDO:0100620.

Submission:

Institute of Human Genetics, University of Leipzig Medical Center
Classification: Likely pathogenic for Early-infantile DEE. Last evaluated: 2020-07-15. Review status: criteria provided, single submitter. Criteria: ACMG Guidelines, 2015. Collection method: clinical testing. Allele origin: de novo. Affected: yes.
Comment: This variant was identified as de novo (maternity and paternity confirmed).

Literature cited by the submitters: PubMed 33299146.